The following is an entry in ClinVar:

NM_020975.6(RET):c.812C>T (p.Thr271Ile)

Gene: RET (ret proto-oncogene; plus strand). Cytogenetic location: 10q11.21.
Variant type: single nucleotide variant.
Coding change: c.812C>T on transcript NM_020975.6 (MANE Select); coding-DNA position 812, C replaced by T.
Protein change: p.Thr271Ile; replaces threonine 271 with isoleucine.
Molecular consequence: missense variant.
Genome position (GRCh38, 1-based): chr10:43,105,138, C>T. VCF-style: chr10-43105138-C-T. GRCh37 (hg19) VCF-style: chr10-43600586-C-T.
Other names: c.812C>T, p.Thr271Ile (NM_000323.2, NM_001406743.1, NM_001406744.1 and 8 more transcripts); c.50C>T, p.Thr17Ile (NM_001355216.2); c.683C>T, p.Thr228Ile (NM_001406761.1, NM_001406762.1, NM_001406764.1 and 2 more transcripts); c.524C>T, p.Thr175Ile (NM_001406766.1, NM_001406767.1, NM_001406770.1); short protein forms T17I, T271I, T228I, T175I.
Identifiers: ClinVar variation 827467 (VCV000827467.14), dbSNP rs1361019662, ClinGen allele CA376545175.

ClinVar aggregate classification (germline): Uncertain significance. Review status: criteria provided, multiple submitters, no conflicts (2 of 4 stars). 3 submissions from 3 submitters: Uncertain significance (3). Last evaluated 2025-09-19.

Conditions:
Hereditary cancer-predisposing syndrome. Also called: Neoplastic Syndromes, Hereditary; Tumor predisposition; Hereditary neoplastic syndrome; Hereditary Cancer Syndrome. Identifiers: Orphanet 140162, MedGen C0027672, MeSH D009386, MONDO:0015356.
Multiple endocrine neoplasia, type 2 (MEN2). Identifiers: Orphanet 653, MedGen C4048306, MONDO:0019003. Disease mechanism: gain of function.

Allele frequency attached by ClinVar (database versions not stated): gnomAD exomes below 0.00001; gnomAD 0.00001; TOPMed 0.00002.
gnomAD v4.1: 5 of 1,612,596 alleles (0.00031%); highest among the groups gnomAD compares: African/African-American, 0.0053%; no homozygotes.

Submissions (3):

Labcorp Genetics (formerly Invitae), Labcorp
Classification: Uncertain significance for Multiple endocrine neoplasia, type 2. Last evaluated: 2025-09-19. Review status: criteria provided, single submitter. Criteria: Invitae Variant Classification Sherloc (09022015). Collection method: clinical testing. Allele origin: germline.
Comment: This sequence change replaces threonine, which is neutral and polar, with isoleucine, which is neutral and non-polar, at codon 271 of the RET protein (p.Thr271Ile). The frequency data for this variant in the population databases is considered unreliable, as metrics indicate poor data quality at this position in the gnomAD database. This variant has not been reported in the literature in individuals affected with RET-related conditions. ClinVar contains an entry for this variant (Variation ID: 827467). An algorithm developed to predict the effect of missense changes on protein structure and function (PolyPhen-2) suggests that this variant is likely to be tolerated. In summary, the available evidence is currently insufficient to determine the role of this variant in disease. Therefore, it has been classified as a Variant of Uncertain Significance.

Ambry Genetics
Classification: Uncertain significance for Hereditary cancer-predisposing syndrome. Last evaluated: 2024-08-19. Review status: criteria provided, single submitter. Criteria: Ambry Variant Classification Scheme 2023. Collection method: clinical testing. Allele origin: germline.
Comment: The p.T271I variant (also known as c.812C>T), located in coding exon 4 of the RET gene, results from a C to T substitution at nucleotide position 812. The threonine at codon 271 is replaced by isoleucine, an amino acid with similar properties. This amino acid position is not well conserved in available vertebrate species. In addition, this alteration is predicted to be tolerated by in silico analysis. Since supporting evidence is limited at this time, the clinical significance of this alteration remains unclear.

All of Us Research Program, National Institutes of Health
Classification: Uncertain significance for Multiple endocrine neoplasia, type 2. Last evaluated: 2024-08-06. Review status: criteria provided, single submitter. Criteria: ACMG Guidelines, 2015. Collection method: clinical testing. Allele origin: germline. Inheritance: Autosomal dominant inheritance. Observed: 2 variant alleles, 2 heterozygotes.
Comment: This missense variant replaces threonine with isoleucine at codon 271 of the RET protein. Computational prediction suggests that this variant may not impact protein structure and function (internally defined REVEL score threshold <= 0.5, PMID: 27666373). To our knowledge, functional studies have not been reported for this variant. This variant has not been reported in individuals affected with hereditary cancer in the literature. This variant has been identified in 1/246032 chromosomes in the general population by the Genome Aggregation Database (gnomAD). The available evidence is insufficient to determine the role of this variant in disease conclusively. Therefore, this variant is classified as a Variant of Uncertain Significance.

This study involves interpretation of variants in research participants for the purpose of population health screening. Participant phenotype was not available at the time of variant classification. Additional details can be found in publication PMID: 35346344, PMCID: PMC8962531